The following is an entry in ClinVar:

ClinVar aggregate classification (germline): Benign. Review status: criteria provided, multiple submitters, no conflicts (2 of 4 stars). 7 submissions from 7 submitters: Benign (7). Last evaluated 2026-02-01.

Conditions:
Usher syndrome type 2C. Also called: Usher syndrome, type 2B; USHER SYNDROME, TYPE IIC. Identifiers: Orphanet 231178, Orphanet 886, MedGen C2931213, MONDO:0011558, OMIM 605472.

Allele frequency attached by ClinVar (database versions not stated): gnomAD exomes 0.00055 and 0.00141; ExAC 0.00260; 1000 Genomes Project 0.00539; gnomAD 0.00588 and 0.00638; 1000 Genomes Project 30x 0.00609; TOPMed 0.00646; ESP Exome Variant Server 0.00731.
gnomAD v4.1: 1,702 of 1,604,042 alleles (0.11%); highest among the groups gnomAD compares: African/African-American, 2%; 17 homozygotes.

Submissions (7):

CeGaT Center for Human Genetics Tuebingen
Classification: Benign. Last evaluated: 2026-02-01. Review status: criteria provided, single submitter. Criteria: CeGaT Center For Human Genetics Tuebingen Variant Classification Criteria Version 2. Collection method: clinical testing. Allele origin: germline. Affected: yes. Observed: 1 variant allele.
Comment: ADGRV1: BP4, BS1, BS2

Labcorp Genetics (formerly Invitae), Labcorp
Classification: Benign. Last evaluated: 2026-01-28. Review status: criteria provided, single submitter. Criteria: Invitae Variant Classification Sherloc (09022015). Collection method: clinical testing. Allele origin: germline.

Athena Diagnostics
Classification: Benign. Last evaluated: 2021-03-03. Review status: criteria provided, single submitter. Criteria: Athena Diagnostics criteria. Collection method: clinical testing. Allele origin: unknown.

GeneDx
Classification: Benign. Last evaluated: 2019-12-24. Review status: criteria provided, single submitter. Criteria: GeneDx Variant Classification Process June 2021. Collection method: clinical testing. Allele origin: germline. Affected: yes.
Comment: This variant is associated with the following publications: (PMID: 30245029, 21569298, 25262649)

Illumina Laboratory Services, Illumina
Classification: Benign for Usher syndrome type 2C. Last evaluated: 2017-10-12. Review status: criteria provided, single submitter. Criteria: ICSL Variant Classification Criteria 13 December 2019. Collection method: clinical testing. Allele origin: germline.
Comment: This variant was observed as part of a predisposition screen in an ostensibly healthy population. A literature search was performed for the gene, cDNA change, and amino acid change (where applicable). Publications were found based on this search. The evidence from the literature, in combination with allele frequency data from public databases where available, was sufficient to rule this variant out of causing disease. Therefore, this variant is classified as benign.

Eurofins Ntd Llc (ga)
Classification: Benign. Last evaluated: 2015-12-08. Review status: criteria provided, single submitter. Criteria: EGL Classification Definitions 2015. Collection method: clinical testing. Allele origin: germline. Observed: 2 variant alleles, 1 heterozygote, 1 homozygote.

Laboratory for Molecular Medicine, Mass General Brigham Personalized Medicine
Classification: Benign. Last evaluated: 2012-04-30. Review status: criteria provided, single submitter. Criteria: LMM Criteria. Collection method: clinical testing. Allele origin: germline. Observed: 11 variant alleles.
Comment: Asn4885Ser in Exon 71 of GPR98: This variant is not expected to have clinical si gnificance because it has been identified in 2.6% (77/3012) of African American chromosomes from a broad population by the NHLBI Exome Sequencing Project (dbSNP rs61731030).

Literature cited by the submitters: PubMed 21569298 (cited by Athena Diagnostics and Illumina Laboratory Services, Illumina); PubMed 30245029 (cited by Athena Diagnostics); PubMed 25262649 (cited by Athena Diagnostics and Illumina Laboratory Services, Illumina).

NM_032119.4(ADGRV1):c.14654A>G (p.Asn4885Ser)

Gene: ADGRV1 (adhesion G protein-coupled receptor V1; plus strand). Cytogenetic location: 5q14.3.
Variant type: single nucleotide variant.
Coding change: c.14654A>G on transcript NM_032119.4 (MANE Select); coding-DNA position 14654, A replaced by G.
Protein change: p.Asn4885Ser; replaces asparagine 4885 with serine.
Molecular consequence: missense variant. On other transcripts: non-coding transcript variant (1).
Genome position (GRCh38, 1-based): chr5:90,802,875, A>G. VCF-style: chr5-90802875-A-G. GRCh37 (hg19) VCF-style: chr5-90098692-A-G.
Other names: short protein forms N4885S.
Identifiers: ClinVar variation 46273 (VCV000046273.28), dbSNP rs61731030, ClinGen allele CA138036.
Genomic context (GRCh38, chr5:90,802,875, plus strand): 5'-TGCCAACAATTCTTCAGGAAGCAAAATCTGCTGTCCTTCCAGTCTCTGAGAAAGCTGCCA[A>G]TTCTCAGGTAATTGGCCCTGTGTGTGGTTCTCTCAGCAGAACACTAGAGGGCAGCTTTTA-3'
Protein context (NP_115495.3, residues 4875-4895): AVLPVSEKAA[Asn4885Ser]SQVGFESTAF